The following is an entry in ClinVar:

ClinVar aggregate classification (germline): Likely benign (1 of 4 stars; one submission).

Submission:

CeGaT Center for Human Genetics Tuebingen
Classification: Likely benign. Last evaluated: 2023-02-01. Review status: criteria provided, single submitter. Criteria: CeGaT Center For Human Genetics Tuebingen Variant Classification Criteria Version 2. Collection method: clinical testing. Allele origin: germline. Affected: yes. Observed: 1 variant allele.
Comment: MTPAP: PM2:Supporting, BP4, BP7

NM_018109.4(MTPAP):c.693C>G (p.Gly231=)

Gene: MTPAP (mitochondrial poly(A) polymerase; minus strand). Cytogenetic location: 10p11.23.
Variant type: single nucleotide variant.
Coding change: c.693C>G on transcript NM_018109.4 (MANE Select); coding-DNA position 693, C replaced by G.
Protein change: p.Gly231=; no amino-acid change (glycine 231 retained).
Molecular consequence: synonymous variant.
Genome position (GRCh38, 1-based): chr10:30,336,890, G>C on the plus strand (C>G on the coding strand, the complement: MTPAP is on the minus strand). VCF-style: chr10-30336890-G-C. GRCh37 (hg19) VCF-style: chr10-30625819-G-C.
Identifiers: ClinVar variation 2640392 (VCV002640392.24), dbSNP rs2538463619, ClinGen allele CA468976680.
Genomic context (GRCh38, chr10:30,336,890, plus strand): 5'-ATCTAGATCCAAAAACATGTCCAAATCACATCCTAACTTCCCAAAAGTGTTGACTGAGGA[G>C]CCAAAGGGTCTGACTATGCAGTCTGGAAAATACGCGGCGGCCATGTCTTCAATAAGAGAA-3'
Protein context (NP_060579.3, residues 221-241): YFPDCIVRPF[Gly231=]SSVNTFGKLG